The following is an entry in ClinVar:

ClinVar aggregate classification (germline): Pathogenic (1 of 4 stars; one submission).

Submission:

CeGaT Center for Human Genetics Tuebingen
Classification: Pathogenic. Last evaluated: 2026-05-01. Review status: criteria provided, single submitter. Criteria: CeGaT Center For Human Genetics Tuebingen Variant Classification Criteria Version 2. Collection method: clinical testing. Allele origin: germline. Affected: yes. Observed: 3 variant alleles.
Comment: SHOX: PVS1, PM2

NM_000451.4(SHOX):c.471_472insT (p.Glu158Ter)

Genes: SHOX (SHOX homeobox; plus strand), LOC107652445 (meiotic recombination hotspot SHOX; plus strand). Cytogenetic location: Xp22.33.
Variant type: Insertion.
Coding change: c.471_472insT on transcript NM_000451.4 (MANE Select); coding-DNA positions 471 to 472, T inserted.
Protein change: p.Glu158Ter; replaces glutamic acid 158 with a stop codon.
Molecular consequence: nonsense.
Genome position: GRCh38 VCF-style: chrX-634811-C-CT. GRCh37 (hg19) VCF-style: chrX-595546-C-CT.
Other names: c.471_472insT, p.Glu158Ter (NM_006883.2); short protein forms E158*.
Identifiers: ClinVar variation 4874227 (VCV004874227.2).